The following is an entry in ClinVar:

NM_004618.5(TOP3A):c.1837T>C (p.Tyr613His)

Gene: TOP3A (DNA topoisomerase III alpha; minus strand). Cytogenetic location: 17p11.2.
Variant type: single nucleotide variant.
Coding change: c.1837T>C on transcript NM_004618.5 (MANE Select); coding-DNA position 1837, T replaced by C.
Protein change: p.Tyr613His; replaces tyrosine 613 with histidine.
Molecular consequence: missense variant.
Genome position (GRCh38, 1-based): chr17:18,285,182, A>G on the plus strand (T>C on the coding strand, the complement: TOP3A is on the minus strand). VCF-style: chr17-18285182-A-G. GRCh37 (hg19) VCF-style: chr17-18188496-A-G.
Other names: c.1552T>C, p.Tyr518His (NM_001320759.2); short protein forms Y518H, Y613H.
Identifiers: ClinVar variation 2175135 (VCV002175135.3), dbSNP rs779952792, ClinGen allele CA8429773.

ClinVar aggregate classification (germline): Uncertain significance (1 of 4 stars; one submission).

Allele frequency attached by ClinVar (database versions not stated): ExAC 0.00001; TOPMed 0.00001; gnomAD exomes 0.00002; gnomAD 0.00004.
gnomAD v4.1: 28 of 1,614,042 alleles (0.0017%); highest among the groups gnomAD compares: East Asian, 0.0022%; no homozygotes.

Submission:

Labcorp Genetics (formerly Invitae), Labcorp
Classification: Uncertain significance. Last evaluated: 2024-04-01. Review status: criteria provided, single submitter. Criteria: Invitae Variant Classification Sherloc (09022015). Collection method: clinical testing. Allele origin: germline.
Comment: This sequence change replaces tyrosine, which is neutral and polar, with histidine, which is basic and polar, at codon 613 of the TOP3A protein (p.Tyr613His). This variant is present in population databases (rs779952792, gnomAD 0.005%). This variant has not been reported in the literature in individuals affected with TOP3A-related conditions. ClinVar contains an entry for this variant (Variation ID: 2175135). An algorithm developed to predict the effect of missense changes on protein structure and function (PolyPhen-2) suggests that this variant is likely to be disruptive. In summary, the available evidence is currently insufficient to determine the role of this variant in disease. Therefore, it has been classified as a Variant of Uncertain Significance.